The following is an entry in ClinVar:

NM_203446.3(SYNJ1):c.1282A>G (p.Met428Val)

Gene: SYNJ1 (synaptojanin 1; minus strand). Cytogenetic location: 21q22.11.
Variant type: single nucleotide variant.
Coding change: c.1282A>G on transcript NM_203446.3 (MANE Select); coding-DNA position 1282, A replaced by G.
Protein change: p.Met428Val; replaces methionine 428 with valine.
Molecular consequence: missense variant.
Genome position (GRCh38, 1-based): chr21:32,681,567, T>C on the plus strand (A>G on the coding strand, the complement: SYNJ1 is on the minus strand). VCF-style: chr21-32681567-T-C. GRCh37 (hg19) VCF-style: chr21-34053877-T-C.
Other names: c.1282A>G, p.Met428Val (NM_001160302.2, NM_001160306.2); c.1399A>G, p.Met467Val (NM_003895.4); short protein forms M467V, M428V.
Identifiers: ClinVar variation 2062149 (VCV002062149.5), dbSNP rs143294126, ClinGen allele CA10003929.

ClinVar aggregate classification (germline): Uncertain significance. Review status: criteria provided, multiple submitters, no conflicts (2 of 4 stars). 2 submissions from 2 submitters: Uncertain significance (2). Last evaluated 2022-10-13.

Conditions:
Developmental and epileptic encephalopathy, 53. Also called: Epileptic encephalopathy, early infantile, 53. Identifiers: MedGen C4479313, MONDO:0033362, OMIM 617389.
Early-onset Parkinson disease 20. Also called: PARKINSON DISEASE 20, AUTOSOMAL RECESSIVE EARLY-ONSET. Identifiers: Orphanet 391411, MedGen C3809824, MONDO:0014233, OMIM 615530.
Inborn genetic diseases. Identifiers: MedGen C0950123, MeSH D030342.

Allele frequency attached by ClinVar (database versions not stated): ExAC 0.00002; TOPMed 0.00002; gnomAD 0.00003; ESP Exome Variant Server 0.00008.
gnomAD v4.1: 32 of 1,613,790 alleles (0.002%); highest among the groups gnomAD compares: Admixed American, 0.0067%; no homozygotes.

Submissions (2):

Labcorp Genetics (formerly Invitae), Labcorp
Classification: Uncertain significance for Developmental and epileptic encephalopathy, 53; Early-onset Parkinson disease 20. Last evaluated: 2022-10-13. Review status: criteria provided, single submitter. Criteria: Invitae Variant Classification Sherloc (09022015). Collection method: clinical testing. Allele origin: germline.
Comment: In summary, the available evidence is currently insufficient to determine the role of this variant in disease. Therefore, it has been classified as a Variant of Uncertain Significance. Advanced modeling of protein sequence and biophysical properties (such as structural, functional, and spatial information, amino acid conservation, physicochemical variation, residue mobility, and thermodynamic stability) performed at Invitae indicates that this missense variant is not expected to disrupt SYNJ1 protein function. This variant has not been reported in the literature in individuals affected with SYNJ1-related conditions. This variant is present in population databases (rs143294126, gnomAD 0.003%). This sequence change replaces methionine, which is neutral and non-polar, with valine, which is neutral and non-polar, at codon 467 of the SYNJ1 protein (p.Met467Val).

Ambry Genetics
Classification: Uncertain significance for Inborn genetic diseases. Last evaluated: 2022-05-31. Review status: criteria provided, single submitter. Criteria: Ambry Variant Classification Scheme 2023. Collection method: clinical testing. Allele origin: germline.